The following is an entry in ClinVar:

NM_000059.4(BRCA2):c.7031T>A (p.Ile2344Lys)

Gene: BRCA2 (BRCA2 DNA repair associated; plus strand). Cytogenetic location: 13q13.1.
Variant type: single nucleotide variant.
Coding change: c.7031T>A on transcript NM_000059.4 (MANE Select); coding-DNA position 7031, T replaced by A.
Protein change: p.Ile2344Lys; replaces isoleucine 2344 with lysine.
Molecular consequence: missense variant. On other transcripts: non-coding transcript variant (1).
Genome position (GRCh38, 1-based): chr13:32,354,884, T>A. VCF-style: chr13-32354884-T-A. GRCh37 (hg19) VCF-style: chr13-32929021-T-A.
Other names: c.6935T>A, p.Ile2312Lys (NM_001406719.1); c.7031T>A, p.Ile2344Lys (NM_001406720.1, NM_001432077.1); c.2099T>A, p.Ile700Lys (NM_001406721.1); c.614T>A, p.Ile205Lys (NM_001406722.1); short protein forms I2344K, I205K, I700K, I2312K.
Identifiers: ClinVar variation 4826886 (VCV004826886.1).

ClinVar aggregate classification (germline): Uncertain significance (1 of 4 stars; one submission).

Conditions:
Hereditary cancer-predisposing syndrome. Also called: Neoplastic Syndromes, Hereditary; Tumor predisposition; Hereditary Cancer Syndrome; Hereditary neoplastic syndrome. Identifiers: Orphanet 140162, MedGen C0027672, MeSH D009386, MONDO:0015356.

Submission:

Ambry Genetics
Classification: Uncertain significance for Hereditary cancer-predisposing syndrome. Last evaluated: 2026-03-08. Review status: criteria provided, single submitter. Criteria: Ambry Variant Classification Scheme 2023. Collection method: clinical testing. Allele origin: germline.
Comment: The p.I2344K variant (also known as c.7031T>A), located in coding exon 13 of the BRCA2 gene, results from a T to A substitution at nucleotide position 7031. The isoleucine at codon 2344 is replaced by lysine, an amino acid with dissimilar properties. This amino acid position is conserved. In addition, this alteration is predicted to be tolerated by in silico analysis. Based on the available evidence, the clinical significance of this variant remains unclear.